The following is an entry in ClinVar:

NM_000264.5(PTCH1):c.*1889G>A

Gene: PTCH1 (patched 1; minus strand). Cytogenetic location: 9q22.32.
Variant type: single nucleotide variant.
Coding change: c.*1889G>A on transcript NM_000264.5 (MANE Select); 1889 bases downstream of the stop codon, G replaced by A.
Molecular consequence: 3 prime UTR variant. On other transcripts: non-coding transcript variant (1).
Genome position (GRCh38, 1-based): chr9:95,444,504, C>T on the plus strand (G>A on the coding strand, the complement: PTCH1 is on the minus strand). VCF-style: chr9-95444504-C-T. GRCh37 (hg19) VCF-style: chr9-98206786-C-T.
Other names: c.*1889G>A (NM_001083602.3, NM_001083603.3, NM_001083604.3 and 4 more transcripts).
Identifiers: ClinVar variation 914156 (VCV000914156.4), dbSNP rs565918654, ClinGen allele CA196553230.
Genomic context (GRCh38, chr9:95,444,504, plus strand): 5'-GGCACCAAGACAGCAGCAGGGGGGTGGCCAGGGTCCCCAGCAGAGACACACACACACGCA[C>T]GCACGCACACACACACACACACACCCAGCAGCCACAAGCGGCTCCCAATCAGCATCTTAA-3'

ClinVar aggregate classification (germline): Benign/Likely benign. Review status: criteria provided, single submitter (1 of 4 stars). 2 submissions from 1 submitter: Benign (1); Likely benign (1). Last evaluated 2018-01-13.

Conditions:
Holoprosencephaly 7 (HPE7). Identifiers: Orphanet 2162, MedGen C1835820, MONDO:0012562, OMIM 610828.
Gorlin syndrome. Also called: Basal cell nevus syndrome; Nevoid Basal Cell Carcinoma Syndrome. Identifiers: Orphanet 377, MedGen C0004779, MONDO:0007187.

Allele frequency attached by ClinVar (database versions not stated): gnomAD 0.00033 and 0.00037; TOPMed 0.00036; 1000 Genomes Project 0.00040.

Submissions (2):

Illumina Laboratory Services, Illumina
Classification: Benign for Basal cell nevus syndrome 1. Last evaluated: 2018-01-13. Review status: criteria provided, single submitter. Criteria: ICSL Variant Classification Criteria 13 December 2019. Collection method: clinical testing. Allele origin: germline.
Comment: This variant was observed in the ICSL laboratory as part of a predisposition screen in an ostensibly healthy population. It had not been previously curated by ICSL or reported in the Human Gene Mutation Database (HGMD: prior to June 1st, 2018), and was therefore a candidate for classification through an automated scoring system. Utilizing variant allele frequency, disease prevalence and penetrance estimates, and inheritance mode, an automated score was calculated to assess if this variant is too frequent to cause the disease. Based on the score and internal cut-off values, a variant classified as benign is not then subjected to further curation. The score for this variant resulted in a classification of benign for this disease.

Illumina Laboratory Services, Illumina
Classification: Likely benign for Holoprosencephaly 7. Last evaluated: 2018-01-13. Review status: criteria provided, single submitter. Criteria: ICSL Variant Classification Criteria 13 December 2019. Collection method: clinical testing. Allele origin: germline.
Comment: This variant was observed in the ICSL laboratory as part of a predisposition screen in an ostensibly healthy population. It had not been previously curated by ICSL or reported in the Human Gene Mutation Database (HGMD: prior to June 1st, 2018), and was therefore a candidate for classification through an automated scoring system. Utilizing variant allele frequency, disease prevalence and penetrance estimates, and inheritance mode, an automated score was calculated to assess if this variant is too frequent to cause the disease. Based on the score and internal cut-off values, a variant classified as likely benign is not then subjected to further curation. The score for this variant resulted in a classification of likely benign for this disease.